The following is an entry in ClinVar:

ClinVar aggregate classification (germline): Likely pathogenic (1 of 4 stars; one submission).

Conditions:
KMT5B-related disorder. Also called: KMT5B-related condition.

Submission:

PreventionGenetics, part of Exact Sciences
Classification: Likely pathogenic for KMT5B-related condition. Last evaluated: 2025-05-28. Review status: criteria provided, single submitter. Criteria: ACMG Guidelines, 2015. Collection method: clinical testing. Allele origin: germline.
Comment: The KMT5B c.840+2T>A variant is predicted to disrupt the GT donor site and interfere with normal splicing. To our knowledge, this variant has not been reported in the literature or in a large population database (gnomAD), indicating this variant is rare. Variants that disrupt the consensus splice donor site in KMT5B are expected to be pathogenic. This variant is interpreted as likely pathogenic.

NM_017635.5(KMT5B):c.840+2T>A

Gene: KMT5B (lysine methyltransferase 5B; minus strand). Cytogenetic location: 11q13.2.
Variant type: single nucleotide variant.
Coding change: c.840+2T>A on transcript NM_017635.5 (MANE Select); the canonical splice donor site of the intron after coding-DNA position 840, T replaced by A.
Molecular consequence: splice donor variant.
Genome position (GRCh38, 1-based): chr11:68,171,230, A>T on the plus strand (T>A on the coding strand, the complement: KMT5B is on the minus strand). VCF-style: chr11-68171230-A-T. GRCh37 (hg19) VCF-style: chr11-67938697-A-T.
Other names: c.324+2T>A (NM_001369430.1, NM_001369432.1, NM_001369428.1 and 5 more transcripts); c.120+2T>A (NM_001300908.2); c.840+2T>A (NM_001369426.1, NM_001363566.2, NM_001369427.1 and 1 more transcripts); c.627+2T>A (NM_001369425.1); c.771+2T>A (NM_001300909.2).
Identifiers: ClinVar variation 5002247 (VCV005002247.1).